The following is an entry in ClinVar:

NM_002334.4(LRP4):c.1118G>C (p.Arg373Pro)

Gene: LRP4 (LDL receptor related protein 4; minus strand). Cytogenetic location: 11p11.2.
Variant type: single nucleotide variant.
Coding change: c.1118G>C on transcript NM_002334.4 (MANE Select); coding-DNA position 1118, G replaced by C.
Protein change: p.Arg373Pro; replaces arginine 373 with proline.
Molecular consequence: missense variant.
Genome position (GRCh38, 1-based): chr11:46,895,949, C>G on the plus strand (G>C on the coding strand, the complement: LRP4 is on the minus strand). VCF-style: chr11-46895949-C-G. GRCh37 (hg19) VCF-style: chr11-46917500-C-G.
Other names: short protein forms R373P.
Identifiers: ClinVar variation 2932604 (VCV002932604.3), dbSNP rs760783389, ClinGen allele CA380287265.
Genomic context (GRCh38, chr11:46,895,949, plus strand): 5'-CACGTGTGCCCATCCTCTGTGAGCCGGTAGCCTGTGTGGCAGGTACACTGCACTGCCCCC[C>G]GCACCATCTGGCACTTCTGGGCACAGCCACCGTTGTTAACATTGCAGTTCTCCTCACCCG-3'
Protein context (NP_002325.2, residues 363-383): GGCAQKCQMV[Arg373Pro]GAVQCTCHTG

ClinVar aggregate classification (germline): Uncertain significance (1 of 4 stars; one submission).

Conditions:
Cenani-Lenz syndactyly syndrome. Also called: CENANI SYNDACTYLISM; SYNDACTYLY, TYPE VII. Identifiers: Orphanet 3258, MedGen C1859309, MONDO:0008931, OMIM 212780.
Congenital myasthenic syndrome 17. Identifiers: Orphanet 590, MedGen C4225377, MONDO:0014578, OMIM 616304.
Sclerosteosis 2 (SOST2). Identifiers: Orphanet 3152, MedGen C3280402, MONDO:0013679, OMIM 614305.

gnomAD v4.1: 3 of 1,614,094 alleles (0.00019%); highest among the groups gnomAD compares: Non-Finnish European, 0.00025%; no homozygotes.

Submission:

Labcorp Genetics (formerly Invitae), Labcorp
Classification: Uncertain significance for Cenani-Lenz syndactyly syndrome; Sclerosteosis 2; Congenital myasthenic syndrome 17. Last evaluated: 2024-01-21. Review status: criteria provided, single submitter. Criteria: Invitae Variant Classification Sherloc (09022015). Collection method: clinical testing. Allele origin: germline.
Comment: This sequence change replaces arginine, which is basic and polar, with proline, which is neutral and non-polar, at codon 373 of the LRP4 protein (p.Arg373Pro). This variant is present in population databases (no rsID available, gnomAD 0.0009%). This variant has not been reported in the literature in individuals affected with LRP4-related conditions. An algorithm developed to predict the effect of missense changes on protein structure and function (PolyPhen-2) suggests that this variant is likely to be tolerated. In summary, the available evidence is currently insufficient to determine the role of this variant in disease. Therefore, it has been classified as a Variant of Uncertain Significance.